The following is an entry in ClinVar:

NM_005530.3(IDH3A):c.914C>T (p.Thr305Ile)

Gene: IDH3A (isocitrate dehydrogenase (NAD(+)) 3 catalytic subunit alpha; plus strand). Cytogenetic location: 15q25.1.
Variant type: single nucleotide variant.
Coding change: c.914C>T on transcript NM_005530.3 (MANE Select); coding-DNA position 914, C replaced by T.
Protein change: p.Thr305Ile; replaces threonine 305 with isoleucine.
Molecular consequence: missense variant.
Genome position (GRCh38, 1-based): chr15:78,166,199, C>T. VCF-style: chr15-78166199-C-T. GRCh37 (hg19) VCF-style: chr15-78458541-C-T.
Other names: short protein forms T305I.
Identifiers: ClinVar variation 2125018 (VCV002125018.4), dbSNP rs2548839839, ClinGen allele CA393546227.

ClinVar aggregate classification (germline): Uncertain significance (1 of 4 stars; one submission).

Submission:

Labcorp Genetics (formerly Invitae), Labcorp
Classification: Uncertain significance. Last evaluated: 2022-04-12. Review status: criteria provided, single submitter. Criteria: Invitae Variant Classification Sherloc (09022015). Collection method: clinical testing. Allele origin: germline.
Comment: In summary, the available evidence is currently insufficient to determine the role of this variant in disease. Therefore, it has been classified as a Variant of Uncertain Significance. Algorithms developed to predict the effect of missense changes on protein structure and function (SIFT, PolyPhen-2, Align-GVGD) all suggest that this variant is likely to be disruptive. This variant has not been reported in the literature in individuals affected with IDH3A-related conditions. This variant is not present in population databases (gnomAD no frequency). This sequence change replaces threonine, which is neutral and polar, with isoleucine, which is neutral and non-polar, at codon 305 of the IDH3A protein (p.Thr305Ile).